The following is an entry in ClinVar:

NM_002693.3(POLG):c.915C>G (p.Ser305Arg)

Gene: POLG (DNA polymerase gamma, catalytic subunit; minus strand). Cytogenetic location: 15q26.1.
Variant type: single nucleotide variant.
Coding change: c.915C>G on transcript NM_002693.3 (MANE Select); coding-DNA position 915, C replaced by G.
Protein change: p.Ser305Arg; replaces serine 305 with arginine.
Molecular consequence: missense variant.
Genome position (GRCh38, 1-based): chr15:89,329,051, G>C on the plus strand (C>G on the coding strand, the complement: POLG is on the minus strand). VCF-style: chr15-89329051-G-C. GRCh37 (hg19) VCF-style: chr15-89872282-G-C.
Other names: p.S305R:AGC>AGG; c.915C>G, p.Ser305Arg (NM_001126131.2); short protein forms S305R.
Identifiers: ClinVar variation 206588 (VCV000206588.58), dbSNP rs769410130, ClinGen allele CA316819.
Genomic context (GRCh38, chr15:89,329,051, plus strand): 5'-GGGGGGCTGGACCTTGTGTTTGCCCTGCTTGGCTGCTATCCACAGACTGCGCTGGAAGCT[G>C]CTTAGCCCTGAGATGGCCATGTGCATGCTCATGGTGTCCAGGAAACGCATGCGGGAACCC-3'
Protein context (NP_002684.1, residues 295-315): MSMHMAISGL[Ser305Arg]SFQRSLWIAA

ClinVar aggregate classification (germline): Pathogenic/Likely pathogenic. Review status: criteria provided, multiple submitters, no conflicts (2 of 4 stars). 8 submissions from 7 submitters: Pathogenic (6); Likely pathogenic (2). Last evaluated 2025-10-22.

Conditions:
Inborn genetic diseases. Identifiers: MedGen C0950123, MeSH D030342.
Progressive sclerosing poliodystrophy (MTDPS4A). Also called: Mitochondrial DNA depletion syndrome 4A (Alpers type); Mitochondrial DNA Depletion Syndrome 4A; ALPERS PROGRESSIVE INFANTILE POLIODYSTROPHY; Alpers-Huttenlocher Syndrome; Alpers Syndrome; ALPERS DIFFUSE DEGENERATION OF CEREBRAL GRAY MATTER WITH HEPATIC CIRRHOSIS. Identifiers: Orphanet 726, MedGen C0205710, MONDO:0008758, OMIM 203700.
Progressive external ophthalmoplegia with mitochondrial DNA deletions, autosomal dominant 1 (PEOA1). Also called: PROGRESSIVE EXTERNAL OPHTHALMOPLEGIA, AUTOSOMAL DOMINANT 1; Autosomal Dominant Progressive External Ophthalmoplegia (adPEO). Identifiers: MedGen C1834846, MONDO:0024528, OMIM 157640.
Progressive external ophthalmoplegia with mitochondrial DNA deletions, autosomal recessive 1 (PEOB1). Also called: Progressive external ophthalmoplegia, autosomal recessive 1; Autosomal Recessive Progressive External Ophthalmoplegia (arPEO). Identifiers: Orphanet 254886, MedGen C4225153, MONDO:0009783, OMIM 258450.

Allele frequency attached by ClinVar (database versions not stated): gnomAD 0.00001; TOPMed 0.00002.
gnomAD v4.1: 10 of 1,613,076 alleles (0.00062%); highest among the groups gnomAD compares: Admixed American, 0.0017%; no homozygotes.

Submissions (8):

Labcorp Genetics (formerly Invitae), Labcorp
Classification: Pathogenic for Progressive sclerosing poliodystrophy. Last evaluated: 2025-10-22. Review status: criteria provided, single submitter. Criteria: Invitae Variant Classification Sherloc (09022015). Collection method: clinical testing. Allele origin: germline.
Comment: This sequence change replaces serine, which is neutral and polar, with arginine, which is basic and polar, at codon 305 of the POLG protein (p.Ser305Arg). This variant is present in population databases (no rsID available, gnomAD 0.003%). This missense change has been observed in individuals with autosomal recessive POLG-related conditions (PMID: 19578034, 20883824, 22000311). ClinVar contains an entry for this variant (Variation ID: 206588). Invitae Evidence Modeling of protein sequence and biophysical properties (such as structural, functional, and spatial information, amino acid conservation, physicochemical variation, residue mobility, and thermodynamic stability) has been performed for this missense variant. However, the output from this modeling did not meet the statistical confidence thresholds required to predict the impact of this variant on POLG protein function. Experimental studies have shown that this missense change affects POLG function (PMID: 20883824, 25914719, 26095671). For these reasons, this variant has been classified as Pathogenic.

Baylor Genetics
Classification: Pathogenic for Progressive sclerosing poliodystrophy. Last evaluated: 2023-08-29. Review status: criteria provided, single submitter. Criteria: ACMG Guidelines, 2015. Collection method: clinical testing. Allele origin: unknown.

GeneDx
Classification: Pathogenic. Last evaluated: 2023-07-07. Review status: criteria provided, single submitter. Criteria: GeneDx Variant Classification Process June 2021. Collection method: clinical testing. Allele origin: germline. Affected: yes.
Comment: Published functional studies demonstrate reduced DNA affinity and nucleotide mismatch excision rate, leading to a reduction in mtDNA content and increase in mtDNA mutation frequency (Qian et al., 2015); Not observed at significant frequency in large population cohorts (gnomAD); This variant is associated with the following publications: (PMID: 22000311, 19578034, 21824913, 18546365, 21880868, 25914719, 20883824, 30860128)

CeGaT Center for Human Genetics Tuebingen
Classification: Pathogenic. Last evaluated: 2020-09-01. Review status: criteria provided, single submitter. Criteria: CeGaT Center For Human Genetics Tuebingen Variant Classification Criteria Version 2. Collection method: clinical testing. Allele origin: germline. Affected: yes. Observed: 4 variant alleles.

Baylor Genetics
Classification: Pathogenic for Progressive external ophthalmoplegia with mitochondrial DNA deletions, autosomal dominant 1. Last evaluated: 2020-03-26. Review status: criteria provided, single submitter. Criteria: ACMG Guidelines, 2015. Collection method: clinical testing. Allele origin: unknown. Affected: yes.
Comment: This variant was determined to be pathogenic according to ACMG Guidelines, 2015 [PMID:25741868]. Both variants have been previously reported as disease-causing [PMID 19578034 etc.]

Ambry Genetics
Classification: Likely pathogenic for Inborn genetic diseases. Last evaluated: 2020-01-30. Review status: criteria provided, single submitter. Criteria: Ambry Variant Classification Scheme 2023. Collection method: clinical testing. Allele origin: germline.
Comment: The p.S305R variant (also known as c.915C>G), located in coding exon 3 of the POLG gene, results from a C to G substitution at nucleotide position 915. The serine at codon 305 is replaced by arginine, an amino acid with dissimilar properties. This alteration has been detected in three individuals with Alpers syndrome who also carried POLG p.A467T (phase was not confirmed) (Hunter MF et al. Pediatr. Neurol., 2011 Nov;45:311-8; Blok MJ et al. J. Med. Genet., 2009 Nov;46:776-85; Hakonen AH et al. Eur. J. Hum. Genet., 2007 Jul;15:779-83) as well as in one individual with Alpers syndrome without a second identifiable alteration (Wong LJ et al. Hum. Mutat., 2008 Sep;29:E150-72). In addition, this alteration was detected in one individual with generalized seizures, myoclonic jerks, ataxia, and sensory-axonal peripheral neuropathy who also carried POLG p.R627Q and in one individual with muscular hypotonia, status epilepticus, repeated vomiting, severe lactic acidosis, and liver failure who may have also carried POLG p.P1073L (Baruffini E et al. Mitochondrion, 2011 Jan;11:182-90). In two functional studies, authors showed that this alteration significantly reduces DNA binding affinity of the mitochondrial DNA polymerase gamma and results in increased mutability and loss of mitochondrial DNA (Baruffini E et al. Mitochondrion, 2011 Jan;11:182-90; Qian Y et al. Front Genet, 2015 Apr;6:135) This amino acid position is well conserved in available vertebrate species. In addition, this alteration is predicted to be deleterious by in silico analysis. Based on the majority of available evidence to date, this variant is likely to be pathogenic.

Institute of Human Genetics Munich, TUM University Hospital
Classification: Pathogenic for Progressive external ophthalmoplegia with mitochondrial DNA deletions, autosomal recessive 1. Last evaluated: 2019-06-06. Review status: criteria provided, single submitter. Criteria: Classification criteria August 2017. Collection method: clinical testing. Allele origin: germline. Inheritance: Autosomal recessive inheritance. Affected: yes. Observed: 1 compound heterozygote.

Wong Mito Lab, Molecular and Human Genetics, Baylor College of Medicine
Classification: Likely pathogenic for Progressive sclerosing poliodystrophy. Last evaluated: 2018-10-01. Review status: criteria provided, single submitter. Criteria: ACMG Guidelines, 2015. Collection method: clinical testing. Allele origin: germline.
Comment: The NM_002693.2:c.915C>G (NP_002684.1:p.Ser305Arg) [GRCH38: NC_000015.10:g.89329051G>C] variant in POLG gene is interpretated to be a Likely Pathogenic based on ACMG guidelines (PMID: 25741868). This variant has been reported in PMID:19578034 . This variant meets the following evidence codes reported in the ACMG-guideline. PM2:This variant is absent in key population databases. PM3:Detected in trans with a pathogenic variant for Mitochondrial DNA depletion syndrome 4A (Alpers type) which is a recessive disorder. PP1:This variant is co-segregated with Mitochondrial DNA depletion syndrome 4A (Alpers type) in multiple affected family members. PP2:This is a missense variant in POLG with a low rate of benign and high rate of pathogenic missense variations. PP3:Computational evidence/predictors indicate the variant has deleterious effect on POLG structure, function, or protein-protein interaction. PP4:Patient's phenotype or family history is highly specific for POLG. Based on the evidence criteria codes applied, the variant is suggested to be Likely Pathogenic.

Literature cited by the submitters: PubMed 19578034 (cited by 4 submitters); PubMed 20883824 (cited by Labcorp Genetics (formerly Invitae), Labcorp and Ambry Genetics); PubMed 22000311 (cited by Labcorp Genetics (formerly Invitae), Labcorp and Ambry Genetics); PubMed 25914719 (cited by Labcorp Genetics (formerly Invitae), Labcorp and Ambry Genetics); PubMed 26095671 (cited by Labcorp Genetics (formerly Invitae), Labcorp); PubMed 17426723 (cited by Ambry Genetics); PubMed 18546365 (cited by Ambry Genetics); PubMed 30860128 (cited by Ambry Genetics).